The following is an entry in ClinVar:

NM_001348323.3(TRIP12):c.3136G>A (p.Ala1046Thr)

Gene: TRIP12 (thyroid hormone receptor interactor 12; minus strand). Cytogenetic location: 2q36.3.
Variant type: single nucleotide variant.
Coding change: c.3136G>A on transcript NM_001348323.3 (MANE Select); coding-DNA position 3136, G replaced by A.
Protein change: p.Ala1046Thr; replaces alanine 1046 with threonine.
Molecular consequence: missense variant.
Genome position (GRCh38, 1-based): chr2:229,802,322, C>T on the plus strand (G>A on the coding strand, the complement: TRIP12 is on the minus strand). VCF-style: chr2-229802322-C-T. GRCh37 (hg19) VCF-style: chr2-230667038-C-T.
Other names: c.3055G>A, p.Ala1019Thr (NM_001284214.2, NM_001348315.2); c.3010G>A, p.Ala1004Thr (NM_001284215.2, NM_001348316.2, NM_001348317.1 and 1 more transcripts); c.2101G>A, p.Ala701Thr (NM_001284216.2); c.3136G>A, p.Ala1046Thr (NM_001348319.1, NM_001348320.2, NM_001348322.1 and 4 more transcripts); c.3139G>A, p.Ala1047Thr (NM_001348321.1, NM_001348328.1, NM_001348329.2 and 1 more transcripts); c.2929G>A, p.Ala977Thr (NM_001348331.1); c.3049G>A, p.Ala1017Thr (NM_001348332.1); c.3058G>A, p.Ala1020Thr (NM_001348333.1); and 1 more; short protein forms A1004T, A1017T, A1019T, A1020T, A1046T, A1047T, A701T, A971T.
Identifiers: ClinVar variation 3390843 (VCV003390843.1).

ClinVar aggregate classification (germline): Uncertain significance (1 of 4 stars; one submission).

Submission:

GeneDx
Classification: Uncertain significance. Last evaluated: 2024-06-10. Review status: criteria provided, single submitter. Criteria: GeneDx Variant Classification Process June 2021. Collection method: clinical testing. Allele origin: germline. Affected: yes.
Comment: Not observed at significant frequency in large population cohorts (gnomAD); In silico analysis indicates that this missense variant does not alter protein structure/function; Has not been previously published as pathogenic or benign to our knowledge